The following is an entry in ClinVar:

ClinVar aggregate classification (germline): Uncertain significance (1 of 4 stars; one submission).

Allele frequency attached by ClinVar (database versions not stated): ExAC 0.00001; gnomAD 0.00003; gnomAD exomes 0.00003; TOPMed 0.00003.
gnomAD v4.1: 42 of 1,613,964 alleles (0.0026%); highest among the groups gnomAD compares: Non-Finnish European, 0.0035%; no homozygotes.

Submission:

Labcorp Genetics (formerly Invitae), Labcorp
Classification: Uncertain significance. Last evaluated: 2022-05-20. Review status: criteria provided, single submitter. Criteria: Invitae Variant Classification Sherloc (09022015). Collection method: clinical testing. Allele origin: germline.
Comment: This sequence change replaces leucine, which is neutral and non-polar, with phenylalanine, which is neutral and non-polar, at codon 4648 of the LRP2 protein (p.Leu4648Phe). This variant is present in population databases (rs778285947, gnomAD 0.004%). This variant has not been reported in the literature in individuals affected with LRP2-related conditions. Advanced modeling of protein sequence and biophysical properties (such as structural, functional, and spatial information, amino acid conservation, physicochemical variation, residue mobility, and thermodynamic stability) performed at Invitae indicates that this missense variant is not expected to disrupt LRP2 protein function. In summary, the available evidence is currently insufficient to determine the role of this variant in disease. Therefore, it has been classified as a Variant of Uncertain Significance.

NM_004525.3(LRP2):c.13942C>T (p.Leu4648Phe)

Gene: LRP2 (LDL receptor related protein 2; minus strand). Cytogenetic location: 2q31.1.
Variant type: single nucleotide variant.
Coding change: c.13942C>T on transcript NM_004525.3 (MANE Select); coding-DNA position 13942, C replaced by T.
Protein change: p.Leu4648Phe; replaces leucine 4648 with phenylalanine.
Molecular consequence: missense variant.
Genome position (GRCh38, 1-based): chr2:169,128,689, G>A on the plus strand (C>T on the coding strand, the complement: LRP2 is on the minus strand). VCF-style: chr2-169128689-G-A. GRCh37 (hg19) VCF-style: chr2-169985199-G-A.
Other names: short protein forms L4648F.
Identifiers: ClinVar variation 1929761 (VCV001929761.2), dbSNP rs778285947, ClinGen allele CA1952376.